The following is an entry in ClinVar:

ClinVar aggregate classification (germline): Likely benign (0 of 4 stars; one submission).

Conditions:
CEP250-related disorder. Also called: CEP250-related condition.

Submission:

PreventionGenetics, part of Exact Sciences
Classification: Likely benign for CEP250-related condition. Last evaluated: 2020-04-28. Review status: no assertion criteria provided. Collection method: clinical testing. Allele origin: germline.
Comment: This variant is classified as likely benign based on ACMG/AMP sequence variant interpretation guidelines (Richards et al. 2015 PMID: 25741868, with internal and published modifications).

NM_007186.6(CEP250):c.3033+6C>T

Gene: CEP250 (centrosomal protein 250; plus strand). Cytogenetic location: 20q11.22.
Variant type: single nucleotide variant.
Coding change: c.3033+6C>T on transcript NM_007186.6 (MANE Select); 6 bases into the intron after coding-DNA position 3033, C replaced by T.
Molecular consequence: intron variant.
Genome position (GRCh38, 1-based): chr20:35,493,578, C>T. VCF-style: chr20-35493578-C-T. GRCh37 (hg19) VCF-style: chr20-34081405-C-T.
Other names: c.1137+6C>T (NM_001318219.1).
Identifiers: ClinVar variation 3050803 (VCV003050803.2), dbSNP rs574412770, ClinGen allele CA314152450.